The following is an entry in ClinVar:

ClinVar aggregate classification (germline): Uncertain significance. Review status: criteria provided, multiple submitters, no conflicts (2 of 4 stars). 2 submissions from 2 submitters: Uncertain significance (2). Last evaluated 2024-10-28.

Allele frequency attached by ClinVar (database versions not stated): gnomAD exomes below 0.00001.
gnomAD v4.1: 2 of 1,614,036 alleles (0.00012%); highest among the groups gnomAD compares: East Asian, 0.0022%; no homozygotes.

Submissions (2):

GeneDx
Classification: Uncertain significance. Last evaluated: 2024-10-28. Review status: criteria provided, single submitter. Criteria: GeneDx Variant Classification Process June 2021. Collection method: clinical testing. Allele origin: germline. Affected: yes.
Comment: Not observed at significant frequency in large population cohorts (gnomAD); In silico analysis indicates that this missense variant does not alter protein structure/function; Has not been previously published as pathogenic or benign to our knowledge

Eurofins Ntd Llc (ga)
Classification: Uncertain significance. Last evaluated: 2015-05-05. Review status: criteria provided, single submitter. Criteria: EGL Classification Definitions 2015. Collection method: clinical testing. Allele origin: germline. Observed: 1 variant allele, 1 heterozygote.

NM_006922.4(SCN3A):c.1760T>C (p.Val587Ala)

Gene: SCN3A (sodium voltage-gated channel alpha subunit 3; minus strand). Cytogenetic location: 2q24.3.
Variant type: single nucleotide variant.
Coding change: c.1760T>C on transcript NM_006922.4 (MANE Select); coding-DNA position 1760, T replaced by C.
Protein change: p.Val587Ala; replaces valine 587 with alanine.
Molecular consequence: missense variant.
Genome position (GRCh38, 1-based): chr2:165,140,910, A>G on the plus strand (T>C on the coding strand, the complement: SCN3A is on the minus strand). VCF-style: chr2-165140910-A-G. GRCh37 (hg19) VCF-style: chr2-165997420-A-G.
Other names: c.1760T>C, p.Val587Ala (NM_001081676.2, NM_001081677.2); c.1760T>C (NM_006922.3); short protein forms V587A.
Identifiers: ClinVar variation 194239 (VCV000194239.6), dbSNP rs794727101, ClinGen allele CA240107.